The following is an entry in ClinVar:

NM_000277.3(PAH):c.1205T>G (p.Phe402Cys)

Gene: PAH (phenylalanine hydroxylase; minus strand). Cytogenetic location: 12q23.2.
Variant type: single nucleotide variant.
Coding change: c.1205T>G on transcript NM_000277.3 (MANE Select); coding-DNA position 1205, T replaced by G.
Protein change: p.Phe402Cys; replaces phenylalanine 402 with cysteine.
Molecular consequence: missense variant.
Genome position (GRCh38, 1-based): chr12:102,840,510, A>C on the plus strand (T>G on the coding strand, the complement: PAH is on the minus strand). VCF-style: chr12-102840510-A-C. GRCh37 (hg19) VCF-style: chr12-103234288-A-C.
Other names: NM_001354304.2:c.1205T>G; c.1205T>G, p.Phe402Cys (NM_001354304.2); short protein forms F402C.
Identifiers: ClinVar variation 987755 (VCV000987755.2), dbSNP rs1399587250, ClinGen allele CA16020970.

ClinVar aggregate classification (germline): Likely pathogenic (3 of 4 stars; one submission).

Conditions:
Phenylketonuria (PKU). Also called: OLIGOPHRENIA PHENYLPYRUVICA; Phenylketonuria (PKU); Phenylketonurias; FOLLING DISEASE. Identifiers: Orphanet 716, MedGen C0031485, MONDO:0009861, OMIM 261600. Disease mechanism: loss of function.

Submission:

ClinGen PAH Variant Curation Expert Panel
Classification: Likely pathogenic for Phenylketonuria. Last evaluated: 2024-11-17. Review status: reviewed by expert panel. Criteria: ClinGen PAH ACMG Specifications v1. Collection method: curation. Allele origin: germline. Inheritance: Autosomal recessive inheritance.
Comment: This variant is absent from population databases (PM2_Supporting), and is predicted deleterious by SIFT, PolyPhen2, MutationTaster, and REVEL = 0.94 (PP3_Strong). In summary, this variant meets criteria to be classified as likely pathogenic for phenylketonuria in an autosomal recessive manner based on the ACMG/AMP criteria applied as specified by the PAH Expert Panel: PM2_Supporting, PP3_Strong, PP4.